The following is an entry in ClinVar:

ClinVar aggregate classification (germline): Uncertain significance (1 of 4 stars; one submission).

Conditions:
ASH1L-related disorder. Also called: ASH1L-related condition.

Submission:

PreventionGenetics, part of Exact Sciences
Classification: Uncertain significance for ASH1L-related condition. Last evaluated: 2026-03-27. Review status: criteria provided, single submitter. Criteria: ACMG Guidelines, 2015. Collection method: clinical testing. Allele origin: germline.
Comment: The ASH1L c.2176A>T variant is predicted to result in the amino acid substitution p.Ser726Cys. To our knowledge, this variant has not been reported in the literature or in a large population database (gnomAD), indicating this variant is rare. At this time, the clinical significance of this variant is uncertain due to the absence of conclusive functional and genetic evidence.

NM_018489.3(ASH1L):c.2176A>T (p.Ser726Cys)

Gene: ASH1L (ASH1 like histone lysine methyltransferase; minus strand). Cytogenetic location: 1q22.
Variant type: single nucleotide variant.
Coding change: c.2176A>T on transcript NM_018489.3 (MANE Select); coding-DNA position 2176, A replaced by T.
Protein change: p.Ser726Cys; replaces serine 726 with cysteine.
Molecular consequence: missense variant.
Genome position (GRCh38, 1-based): chr1:155,480,694, T>A on the plus strand (A>T on the coding strand, the complement: ASH1L is on the minus strand). VCF-style: chr1-155480694-T-A. GRCh37 (hg19) VCF-style: chr1-155450485-T-A.
Other names: c.2176A>T, p.Ser726Cys (NM_001366177.2); short protein forms S726C.
Identifiers: ClinVar variation 4990850 (VCV004990850.1).